The following is an entry in ClinVar:

ClinVar aggregate classification (germline): Uncertain significance (1 of 4 stars; one submission).

gnomAD v4.1: 1 of 1,605,926 alleles (0.000062%); highest among the groups gnomAD compares: Non-Finnish European, 0.000085%; no homozygotes.

Submission:

Dasa
Classification: Uncertain significance. Last evaluated: 2026-02-12. Review status: criteria provided, single submitter. Criteria: DASA Assertion Criteria. Collection method: clinical testing. Allele origin: germline.
Comment: NM_006618.5(KDM5B):c.2188T>C (p.Tyr730His) is a missense variant that results in the substitution of tyrosine with histidine. This variant is rare in population databases. The currently available literature and clinical evidence are not sufficient to establish a definitive association between this variant and the reported condition. Therefore, this variant is classified as a variant of uncertain significance.

NM_006618.5(KDM5B):c.2188T>C (p.Tyr730His)

Gene: KDM5B (lysine demethylase 5B; minus strand). Cytogenetic location: 1q32.1.
Variant type: single nucleotide variant.
Coding change: c.2188T>C on transcript NM_006618.5 (MANE Select); coding-DNA position 2188, T replaced by C.
Protein change: p.Tyr730His; replaces tyrosine 730 with histidine.
Molecular consequence: missense variant.
Genome position (GRCh38, 1-based): chr1:202,746,152, A>G on the plus strand (T>C on the coding strand, the complement: KDM5B is on the minus strand). VCF-style: chr1-202746152-A-G. GRCh37 (hg19) VCF-style: chr1-202715280-A-G.
Other names: c.2296T>C, p.Tyr766His (NM_001314042.2); c.2053T>C, p.Tyr685His (NM_001347591.2); c.2173T>C, p.Tyr725His (NM_001399817.1); short protein forms Y685H, Y725H, Y730H, Y766H.
Identifiers: ClinVar variation 4881643 (VCV004881643.2).